The following is an entry in ClinVar:

NM_001371596.2(MFSD8):c.864-6del

Gene: MFSD8 (major facilitator superfamily domain containing 8; minus strand). Cytogenetic location: 4q28.2.
Variant type: Deletion.
Coding change: c.864-6del on transcript NM_001371596.2 (MANE Select); 6 bases into the intron before coding-DNA position 864, one base deleted (T; older notation c.864-6delT).
Molecular consequence: intron variant.
Genome position (GRCh38, 1-based): chr4:127,930,823, A deleted on the plus strand (T on the coding strand, the reverse complement: MFSD8 is on the minus strand); the first of 10 consecutive A bases (chr4:127,930,823-127,930,832); deleting any one gives the same sequence. VCF-style (leftmost placement, unchanged base first): chr4-127930822-GA-G. GRCh37 (hg19) VCF-style: chr4-128851977-GA-G.
Other names: NC_000004.11:g.128851987del; c.864-15del (NM_001371596.2); c.864-6delT (NM_152778.2); c.582-6del (NM_001371595.1); c.414-6del (NM_001410765.1); c.729-6del (NM_001371590.2); c.864-6del (NM_152778.4, NM_001371591.2); c.549-6del (NM_001363521.3); and 4 more.
Identifiers: ClinVar variation 696429 (VCV000696429.16), dbSNP rs200526922, ClinGen allele CA3077349.

ClinVar aggregate classification (germline): Benign/Likely benign. Review status: criteria provided, multiple submitters, no conflicts (2 of 4 stars). 3 submissions from 3 submitters: Benign (1); Likely benign (1). 1 of the submissions does not count toward it. Last evaluated 2025-11-28.

Conditions:
Neuronal ceroid lipofuscinosis 7 (CLN7). Also called: MFSD8-Related Neuronal Ceroid-Lipofuscinosis. Identifiers: Orphanet 168491, Orphanet 228366, MedGen C1838571, MONDO:0012588, OMIM 610951.
MFSD8-related disorder. Also called: MFSD8-related condition.

Submissions (10):

Labcorp Genetics (formerly Invitae), Labcorp
Classification: Benign for Neuronal ceroid lipofuscinosis 7. Last evaluated: 2025-11-28. Review status: criteria provided, single submitter. Criteria: Invitae Variant Classification Sherloc (09022015). Collection method: clinical testing. Allele origin: germline.

Blueprint Genetics
Classification: Likely benign. Last evaluated: 2024-09-18. Review status: criteria provided, single submitter. Criteria: ACMG Guidelines, 2015. Collection method: clinical testing. Allele origin: germline.

PreventionGenetics, part of Exact Sciences
Classification: Likely benign for MFSD8-related condition. Last evaluated: 2019-06-05. Review status: no assertion criteria provided. Collection method: clinical testing. Allele origin: germline. Not counted in ClinVar's aggregate classification.
Comment: This variant is classified as likely benign based on ACMG/AMP sequence variant interpretation guidelines (Richards et al. 2015 PMID: 25741868, with internal and published modifications).

Dr. Peter K. Rogan Lab, Western University
No classification provided (evidence only). Condition: Malignant lymphoma, large B-cell, diffuse. Review status: no classification provided. Collection method: in vitro. Allele origin: not applicable. Functional consequence: retained intron. Not counted in ClinVar's aggregate classification.

Dr. Peter K. Rogan Lab, Western University
No classification provided (evidence only). Condition: Gastric cancer. Review status: no classification provided. Collection method: in vitro. Allele origin: not applicable. Functional consequence: retained intron. Not counted in ClinVar's aggregate classification.

Dr. Peter K. Rogan Lab, Western University
No classification provided (evidence only). Condition: Gastric cancer. Review status: no classification provided. Collection method: in vitro. Allele origin: not applicable. Functional consequence: retained intron. Not counted in ClinVar's aggregate classification.

Dr. Peter K. Rogan Lab, Western University
No classification provided (evidence only). Condition: Gastric cancer. Review status: no classification provided. Collection method: in vitro. Allele origin: not applicable. Functional consequence: retained intron. Not counted in ClinVar's aggregate classification.

Dr. Peter K. Rogan Lab, Western University
No classification provided (evidence only). Condition: Gastric cancer. Review status: no classification provided. Collection method: in vitro. Allele origin: not applicable. Functional consequence: retained intron. Not counted in ClinVar's aggregate classification.

Dr. Peter K. Rogan Lab, Western University
No classification provided (evidence only). Condition: Uterine corpus endometrial carcinoma. Review status: no classification provided. Collection method: in vitro. Allele origin: not applicable. Functional consequence: retained intron. Not counted in ClinVar's aggregate classification.

Dr. Peter K. Rogan Lab, Western University
No classification provided (evidence only). Condition: Uterine corpus endometrial carcinoma. Review status: no classification provided. Collection method: in vitro. Allele origin: not applicable. Functional consequence: skipped exon. Not counted in ClinVar's aggregate classification.